The following is an entry in ClinVar:

NM_001987.5(ETV6):c.949C>A (p.His317Asn)

Gene: ETV6 (ETS variant transcription factor 6; plus strand). Cytogenetic location: 12p13.2.
Variant type: single nucleotide variant.
Coding change: c.949C>A on transcript NM_001987.5 (MANE Select); coding-DNA position 949, C replaced by A.
Protein change: p.His317Asn; replaces histidine 317 with asparagine.
Molecular consequence: missense variant.
Genome position (GRCh38, 1-based): chr12:11,869,909, C>A. VCF-style: chr12-11869909-C-A. GRCh37 (hg19) VCF-style: chr12-12022843-C-A.
Other names: c.946C>A, p.His316Asn (NM_001413913.1); c.922C>A, p.His308Asn (NM_001413914.1); c.685C>A, p.His229Asn (NM_001413915.1); c.949C>A, p.His317Asn (NM_001413916.1, NM_001413917.1); short protein forms H317N, H229N, H316N, H308N.
Identifiers: ClinVar variation 4020079 (VCV004020079.1).

ClinVar aggregate classification (germline): Uncertain significance (1 of 4 stars; one submission).

Conditions:
Inborn genetic diseases. Identifiers: MedGen C0950123, MeSH D030342.

Submission:

Ambry Genetics
Classification: Uncertain significance for Inborn genetic diseases. Last evaluated: 2025-04-24. Review status: criteria provided, single submitter. Criteria: Ambry Variant Classification Scheme 2023. Collection method: clinical testing. Allele origin: germline.
Comment: The p.H317N variant (also known as c.949C>A), located in coding exon 5 of the ETV6 gene, results from a C to A substitution at nucleotide position 949. The histidine at codon 317 is replaced by asparagine, an amino acid with similar properties. This amino acid position is conserved. In addition, this alteration is predicted to be tolerated by in silico analysis. Based on the available evidence, the clinical significance of this variant remains unclear.